The following is an entry in ClinVar:

NM_000540.3(RYR1):c.9515T>G (p.Ile3172Ser)

Gene: RYR1 (ryanodine receptor 1; plus strand). Cytogenetic location: 19q13.2.
Variant type: single nucleotide variant.
Coding change: c.9515T>G on transcript NM_000540.3 (MANE Select); coding-DNA position 9515, T replaced by G.
Protein change: p.Ile3172Ser; replaces isoleucine 3172 with serine.
Molecular consequence: missense variant.
Genome position (GRCh38, 1-based): chr19:38,515,068, T>G. VCF-style: chr19-38515068-T-G. GRCh37 (hg19) VCF-style: chr19-39005708-T-G.
Other names: c.9515T>G, p.Ile3172Ser (NM_001042723.2); short protein forms I3172S.
Identifiers: ClinVar variation 4806374 (VCV004806374.1).

ClinVar aggregate classification (germline): Uncertain significance (1 of 4 stars; one submission).

Conditions:
RYR1-related disorder. Also called: RYR1-related condition; RYR1-related disorders. Identifiers: MedGen CN239331.

Submission:

Labcorp Genetics (formerly Invitae), Labcorp
Classification: Uncertain significance for RYR1-related disorder. Last evaluated: 2025-08-17. Review status: criteria provided, single submitter. Criteria: Invitae Variant Classification Sherloc (09022015). Collection method: clinical testing. Allele origin: germline.
Comment: This sequence change replaces isoleucine, which is neutral and non-polar, with serine, which is neutral and polar, at codon 3172 of the RYR1 protein (p.Ile3172Ser). This variant is not present in population databases (gnomAD no frequency). This variant has not been reported in the literature in individuals affected with RYR1-related conditions. Invitae Evidence Modeling of protein sequence and biophysical properties (such as structural, functional, and spatial information, amino acid conservation, physicochemical variation, residue mobility, and thermodynamic stability) indicates that this missense variant is not expected to disrupt RYR1 protein function with a negative predictive value of 80%. In summary, the available evidence is currently insufficient to determine the role of this variant in disease. Therefore, it has been classified as a Variant of Uncertain Significance.